The following is an entry in ClinVar:

ClinVar aggregate classification (germline): Benign (1 of 4 stars; one submission).

Conditions:
Hypogonadotropic hypogonadism 5 with or without anosmia (KAL5). Also called: HYPOGONADOTROPIC HYPOGONADISM 5 WITH ANOSMIA; HYPOGONADOTROPHIC HYPOGONADISM 5 WITHOUT ANOSMIA; CHD7-Related GnRH Deficiency (Kallmann Syndrome 5). Identifiers: Orphanet 478, MedGen C3552553, MONDO:0012880, OMIM 612370. Disease mechanism: loss of function.

Allele frequency attached by ClinVar (database versions not stated): TOPMed 0.68960; gnomAD 0.69116 and 0.69280; 1000 Genomes Project 30x 0.73704; 1000 Genomes Project 0.73762; gnomAD exomes 0.83333.
gnomAD v4.1: 105,137 of 152,030 alleles (69%); highest among the groups gnomAD compares: African/African-American, 78%; 36,770 homozygotes.

Submission:

Illumina Laboratory Services, Illumina
Classification: Benign for Kallmann Syndrome 5. Last evaluated: 2018-01-12. Review status: criteria provided, single submitter. Criteria: ICSL Variant Classification Criteria 13 December 2019. Collection method: clinical testing. Allele origin: germline.
Comment: This variant was observed in the ICSL laboratory as part of a predisposition screen in an ostensibly healthy population. It had not been previously curated by ICSL or reported in the Human Gene Mutation Database (HGMD: prior to June 1st, 2018), and was therefore a candidate for classification through an automated scoring system. Utilizing variant allele frequency, disease prevalence and penetrance estimates, and inheritance mode, an automated score was calculated to assess if this variant is too frequent to cause the disease. Based on the score and internal cut-off values, a variant classified as benign is not then subjected to further curation. The score for this variant resulted in a classification of benign for this disease.

NM_017780.4(CHD7):c.*1728T>C

Gene: CHD7 (chromodomain helicase DNA binding protein 7; plus strand). Cytogenetic location: 8q12.2.
Variant type: single nucleotide variant.
Coding change: c.*1728T>C on transcript NM_017780.4 (MANE Select); 1728 bases downstream of the stop codon, T replaced by C.
Molecular consequence: 3 prime UTR variant.
Genome position (GRCh38, 1-based): chr8:60,867,661, T>C. VCF-style: chr8-60867661-T-C. GRCh37 (hg19) VCF-style: chr8-61780220-T-C.
Other names: c.*1728T>C (NM_001316690.1).
Identifiers: ClinVar variation 363511 (VCV000363511.5), dbSNP rs2280917, ClinGen allele CA10625705.